The following is an entry in ClinVar:

ClinVar aggregate classification (germline): Likely pathogenic (1 of 4 stars; one submission).

Conditions:
Congenital Adrenal Insufficiency. Identifiers: MedGen C3502131.

Allele frequency attached by ClinVar (database versions not stated): gnomAD 0.00001; TOPMed 0.00001.
gnomAD v4.1: 7 of 1,614,010 alleles (0.00043%); highest among the groups gnomAD compares: South Asian, 0.0022%; no homozygotes.

Submission:

Rady Children's Institute for Genomic Medicine, Rady Children's Hospital San Diego
Classification: Likely pathogenic for Congenital Adrenal Insufficiency. Review status: criteria provided, single submitter. Criteria: ACMG Guidelines, 2015. Collection method: clinical testing. Allele origin: germline. Affected: yes.
Comment: This variant has been previously reported as a compound heterozygous change in a patient with congenital adrenal insufficiency (PMID: 22968487). Functional studies in vitro demonstrated that this variant leads to reduced protein expression and enzymatic activity (PMID: 22968487). It is present in the heterozygous state in the gnomAD population database at a frequency of 0.0004% (1/251292) and thus is presumed to be rare. The c.1078C>T (p.Arg360Trp) variant is predicted by multiple in silico tools to have a deleterious effect on protein function. Based on the available evidence, the c.1078C>T (p.Arg360Trp) variant is classified as Likely Pathogenic.

NM_000781.3(CYP11A1):c.1078C>T (p.Arg360Trp)

Gene: CYP11A1 (cytochrome P450 family 11 subfamily A member 1; minus strand). Cytogenetic location: 15q24.1.
Variant type: single nucleotide variant.
Coding change: c.1078C>T on transcript NM_000781.3 (MANE Select); coding-DNA position 1078, C replaced by T.
Protein change: p.Arg360Trp; replaces arginine 360 with tryptophan.
Molecular consequence: missense variant.
Genome position (GRCh38, 1-based): chr15:74,339,666, G>A on the plus strand (C>T on the coding strand, the complement: CYP11A1 is on the minus strand). VCF-style: chr15-74339666-G-A. GRCh37 (hg19) VCF-style: chr15-74632007-G-A.
Other names: c.604C>T, p.Arg202Trp (NM_001099773.2); short protein forms R202W, R360W.
Identifiers: ClinVar variation 2584497 (VCV002584497.1), dbSNP rs1284060395, ClinGen allele CA393147106.
Genomic context (GRCh38, chr15:74,339,666, plus strand): 5'-TGGCTTTGAGGAGGGGGACCAGCTGTAGCATCGTGGCCATGTCTCCCTGGGCCTGGTGCC[G>A]CGCAGCCAAGACCTCTGCCCGCAGCATATCCTGCACCTTCAGGTTGCGTGCCATCTCATA-3'
Protein context (NP_000772.2, residues 350-370): DMLRAEVLAA[Arg360Trp]HQAQGDMATM